The following is an entry in ClinVar:

NM_152564.5(VPS13B):c.7163T>A (p.Leu2388His)

Gene: VPS13B (vacuolar protein sorting 13 homolog B; plus strand). Cytogenetic location: 8q22.2.
Variant type: single nucleotide variant.
Coding change: c.7163T>A on transcript NM_152564.5 (MANE Select); coding-DNA position 7163, T replaced by A.
Protein change: p.Leu2388His; replaces leucine 2388 with histidine.
Molecular consequence: missense variant.
Genome position (GRCh38, 1-based): chr8:99,766,886, T>A. VCF-style: chr8-99766886-T-A. GRCh37 (hg19) VCF-style: chr8-100779114-T-A.
Other names: c.7238T>A, p.Leu2413His (NM_017890.5); short protein forms L2388H, L2413H.
Identifiers: ClinVar variation 2766219 (VCV002766219.3), dbSNP rs2491774460, ClinGen allele CA371874326.
Genomic context (GRCh38, chr8:99,766,886, plus strand): 5'-TTAGAGAATTTAATCTGTCTGAAAGCAAAGTTTGTGAACTGCAGTTGCCGGATATCAATC[T>A]CGTGAATGACCAGAAGAAATTAGTATCTTCAGATCTTTGGAGAATTGTCTTGAACAGCAG-3'
Protein context (NP_689777.3, residues 2378-2398): VCELQLPDIN[Leu2388His]VNDQKKLVSS

ClinVar aggregate classification (germline): Uncertain significance (1 of 4 stars; one submission).

Conditions:
Cohen syndrome (COH1). Also called: PEPPER SYNDROME; Cutis verticis gyrata, retinitis pigmentosa, and sensorineural deafness. Identifiers: Orphanet 193, MedGen C0265223, MONDO:0008999, OMIM 216550.

Submission:

Labcorp Genetics (formerly Invitae), Labcorp
Classification: Uncertain significance for Cohen syndrome. Last evaluated: 2023-10-05. Review status: criteria provided, single submitter. Criteria: Invitae Variant Classification Sherloc (09022015). Collection method: clinical testing. Allele origin: germline.
Comment: This sequence change replaces leucine, which is neutral and non-polar, with histidine, which is basic and polar, at codon 2413 of the VPS13B protein (p.Leu2413His). This variant is not present in population databases (gnomAD no frequency). This variant has not been reported in the literature in individuals affected with VPS13B-related conditions. Advanced modeling of protein sequence and biophysical properties (such as structural, functional, and spatial information, amino acid conservation, physicochemical variation, residue mobility, and thermodynamic stability) performed at Invitae indicates that this missense variant is not expected to disrupt VPS13B protein function. In summary, the available evidence is currently insufficient to determine the role of this variant in disease. Therefore, it has been classified as a Variant of Uncertain Significance.